The following is an entry in ClinVar:

NM_000257.4(MYH7):c.776C>G (p.Ala259Gly)

Gene: MYH7 (myosin heavy chain 7; minus strand). Cytogenetic location: 14q11.2.
Variant type: single nucleotide variant.
Coding change: c.776C>G on transcript NM_000257.4 (MANE Select); coding-DNA position 776, C replaced by G.
Protein change: p.Ala259Gly; replaces alanine 259 with glycine.
Molecular consequence: missense variant.
Genome position (GRCh38, 1-based): chr14:23,431,438, G>C on the plus strand (C>G on the coding strand, the complement: MYH7 is on the minus strand). VCF-style: chr14-23431438-G-C. GRCh37 (hg19) VCF-style: chr14-23900647-G-C.
Other names: c.776C>G, p.Ala259Gly (NM_001407004.1); short protein forms A259G.
Identifiers: ClinVar variation 5025177 (VCV005025177.1).

ClinVar aggregate classification (germline): Uncertain significance (1 of 4 stars; one submission).

Conditions:
Cardiovascular phenotype. Identifiers: MedGen CN230736.

Submission:

Ambry Genetics
Classification: Uncertain significance for Cardiovascular phenotype. Last evaluated: 2026-08-22. Review status: criteria provided, single submitter. Criteria: Ambry Variant Classification Scheme 2023. Collection method: clinical testing. Allele origin: germline.
Comment: The p.A259G variant (also known as c.776C>G), located in coding exon 7 of the MYH7 gene, results from a C to G substitution at nucleotide position 776. The alanine at codon 259 is replaced by glycine, an amino acid with similar properties. This amino acid position is conserved. In addition, the in silico prediction for this alteration is inconclusive. Based on the available evidence, the clinical significance of this variant remains unclear.